The following is an entry in ClinVar:

NM_000628.5(IL10RB):c.862G>A (p.Glu288Lys)

Genes: IL10RB (interleukin 10 receptor subunit beta; plus strand), IFNAR2-IL10RB (IFNAR2-IL10RB readthrough; plus strand). Cytogenetic location: 21q22.11.
Variant type: single nucleotide variant.
Coding change: c.862G>A on transcript NM_000628.5 (MANE Select); coding-DNA position 862, G replaced by A.
Protein change: p.Glu288Lys; replaces glutamic acid 288 with lysine.
Molecular consequence: missense variant.
Genome position (GRCh38, 1-based): chr21:33,296,241, G>A. VCF-style: chr21-33296241-G-A. GRCh37 (hg19) VCF-style: chr21-34668546-G-A.
Other names: short protein forms E288K.
Identifiers: ClinVar variation 1005783 (VCV001005783.9), dbSNP rs2082965441, ClinGen allele CA410096344.

ClinVar aggregate classification (germline): Uncertain significance (1 of 4 stars; one submission).

Conditions:
Inflammatory bowel disease 25. Also called: Inflammatory bowel disease 25, early onset, autosomal recessive. Identifiers: Orphanet 238569, MedGen C2675508, MONDO:0012941, OMIM 612567.

Allele frequency attached by ClinVar (database versions not stated): gnomAD exomes 0.00001.
gnomAD v4.1: 6 of 1,614,130 alleles (0.00037%); highest among the groups gnomAD compares: Middle Eastern, 0.033%; no homozygotes.

Submission:

Labcorp Genetics (formerly Invitae), Labcorp
Classification: Uncertain significance for Inflammatory bowel disease 25. Last evaluated: 2025-07-21. Review status: criteria provided, single submitter. Criteria: Invitae Variant Classification Sherloc (09022015). Collection method: clinical testing. Allele origin: germline.
Comment: This sequence change replaces glutamic acid, which is acidic and polar, with lysine, which is basic and polar, at codon 288 of the IL10RB protein (p.Glu288Lys). This variant is not present in population databases (gnomAD no frequency). This variant has not been reported in the literature in individuals affected with IL10RB-related conditions. ClinVar contains an entry for this variant (Variation ID: 1005783). An algorithm developed to predict the effect of missense changes on protein structure and function (PolyPhen-2) suggests that this variant is likely to be tolerated. In summary, the available evidence is currently insufficient to determine the role of this variant in disease. Therefore, it has been classified as a Variant of Uncertain Significance.